The following is an entry in ClinVar:

ClinVar aggregate classification (germline): Uncertain significance. Review status: criteria provided, multiple submitters, no conflicts (2 of 4 stars). 2 submissions from 2 submitters: Uncertain significance (2). Last evaluated 2025-07-28.

Conditions:
Hereditary cancer-predisposing syndrome. Also called: Neoplastic Syndromes, Hereditary; Tumor predisposition; Hereditary Cancer Syndrome; Hereditary neoplastic syndrome. Identifiers: Orphanet 140162, MedGen C0027672, MeSH D009386, MONDO:0015356.
Familial cancer of breast. Also called: BREAST CANCER, FAMILIAL; Hereditary breast cancer; hereditary breast carcinoma. Identifiers: Orphanet 227535, MedGen C0346153, MONDO:0016419, OMIM 114480. Disease mechanism: loss of function.

Allele frequency attached by ClinVar (database versions not stated): gnomAD exomes below 0.00001.

Submissions (2):

Ambry Genetics
Classification: Uncertain significance for Hereditary cancer-predisposing syndrome. Last evaluated: 2025-07-28. Review status: criteria provided, single submitter. Criteria: Ambry Variant Classification Scheme 2023. Collection method: clinical testing. Allele origin: germline.
Comment: The p.G1174R variant (also known as c.3520G>A), located in coding exon 13 of the PALB2 gene, results from a G to A substitution at nucleotide position 3520. The glycine at codon 1174 is replaced by arginine, an amino acid with dissimilar properties. This amino acid position is highly conserved in available vertebrate species. In addition, this alteration is predicted to be deleterious by in silico analysis. Since supporting evidence is limited at this time, the clinical significance of this alteration remains unclear.

Labcorp Genetics (formerly Invitae), Labcorp
Classification: Uncertain significance for Familial cancer of breast. Last evaluated: 2019-05-18. Review status: criteria provided, single submitter. Criteria: Invitae Variant Classification Sherloc (09022015). Collection method: clinical testing. Allele origin: germline.
Comment: This variant is not present in population databases (ExAC no frequency) and has not been reported in the literature in individuals with a PALB2-related disease. ClinVar contains an entry for this variant (Variation ID: 186939). This sequence change replaces glycine with arginine at codon 1174 of the PALB2 protein (p.Gly1174Arg). The glycine residue is highly conserved and there is a moderate physicochemical difference between glycine and arginine. Algorithms developed to predict the effect of missense changes on protein structure and function (SIFT, PolyPhen-2, Align-GVGD) all suggest that this variant is likely to be disruptive, but these predictions have not been confirmed by published functional studies. In summary, this variant is a rare missense change with uncertain impact on protein function and mRNA splicing. It has been classified as a Variant of Uncertain Significance. Algorithms developed to predict the effect of sequence changes on RNA splicing suggest that this variant may alter RNA splicing, but this prediction has not been confirmed by published transcriptional studies.

NM_024675.4(PALB2):c.3520G>A (p.Gly1174Arg)

Gene: PALB2 (partner and localizer of BRCA2; minus strand). Cytogenetic location: 16p12.2.
Variant type: single nucleotide variant.
Coding change: c.3520G>A on transcript NM_024675.4 (MANE Select); coding-DNA position 3520, G replaced by A.
Protein change: p.Gly1174Arg; replaces glycine 1174 with arginine.
Molecular consequence: missense variant.
Genome position (GRCh38, 1-based): chr16:23,603,500, C>T on the plus strand (G>A on the coding strand, the complement: PALB2 is on the minus strand). VCF-style: chr16-23603500-C-T. GRCh37 (hg19) VCF-style: chr16-23614821-C-T.
Other names: short protein forms G1174R.
Identifiers: ClinVar variation 186939 (VCV000186939.17), dbSNP rs786203339, ClinGen allele CA196291.